The following is an entry in ClinVar:

ClinVar aggregate classification (germline): Uncertain significance (1 of 4 stars; one submission).

Submission:

GeneDx
Classification: Uncertain significance. Last evaluated: 2021-05-25. Review status: criteria provided, single submitter. Criteria: GeneDx Variant Classification Process June 2021. Collection method: clinical testing. Allele origin: germline. Affected: yes.
Comment: Not observed at significant frequency in large population cohorts (Lek et al., 2016); In silico analysis supports that this missense variant has a deleterious effect on protein structure/function; Has not been previously published as pathogenic or benign to our knowledge

NM_018486.3(HDAC8):c.440A>G (p.Asp147Gly)

Gene: HDAC8 (histone deacetylase 8; minus strand). Cytogenetic location: Xq13.1.
Variant type: single nucleotide variant.
Coding change: c.440A>G on transcript NM_018486.3 (MANE Select); coding-DNA position 440, A replaced by G.
Protein change: p.Asp147Gly; replaces aspartic acid 147 with glycine.
Molecular consequence: missense variant. On other transcripts: non-coding transcript variant (1).
Genome position (GRCh38, 1-based): chrX:72,495,266, T>C on the plus strand (A>G on the coding strand, the complement: HDAC8 is on the minus strand). VCF-style: chrX-72495266-T-C. GRCh37 (hg19) VCF-style: chrX-71715116-T-C.
Other names: c.167A>G, p.Asp56Gly (NM_001166418.2, NM_001166448.2); c.440A>G, p.Asp147Gly (NM_001166419.2); short protein forms D147G, D56G.
Identifiers: ClinVar variation 1326495 (VCV001326495.2), dbSNP rs2148144542, ClinGen allele CA413640347.